The following is an entry in ClinVar:

ClinVar aggregate classification (germline): Likely benign (1 of 4 stars; one submission).

Allele frequency attached by ClinVar (database versions not stated): gnomAD exomes 0.00058; 1000 Genomes Project 0.00265; 1000 Genomes Project 30x 0.00291; gnomAD 0.00417 and 0.00457; TOPMed 0.00465.
gnomAD v4.1: 577 of 297,925 alleles (0.19%); highest among the groups gnomAD compares: African/African-American, 1.4%; 5 homozygotes.

Submission:

GeneDx
Classification: Likely benign. Last evaluated: 2018-06-14. Review status: criteria provided, single submitter. Criteria: GeneDx Variant Classification (06012015). Collection method: clinical testing. Allele origin: germline. Affected: yes.
Comment: This variant is considered likely benign or benign based on one or more of the following criteria: it is a conservative change, it occurs at a poorly conserved position in the protein, it is predicted to be benign by multiple in silico algorithms, and/or has population frequency not consistent with disease.

NM_005765.3(ATP6AP2):c.535-312G>A

Gene: ATP6AP2 (ATPase H+ transporting accessory protein 2; plus strand). Cytogenetic location: Xp11.4.
Variant type: single nucleotide variant.
Coding change: c.535-312G>A on transcript NM_005765.3 (MANE Select); 312 bases into the intron before coding-DNA position 535, G replaced by A.
Molecular consequence: intron variant.
Genome position (GRCh38, 1-based): chrX:40,598,369, G>A. VCF-style: chrX-40598369-G-A. GRCh37 (hg19) VCF-style: chrX-40457621-G-A.
Identifiers: ClinVar variation 672945 (VCV000672945.1), dbSNP rs763139936, ClinGen allele CA328988950.